The following is an entry in ClinVar:

NM_006767.4(LZTR1):c.2507T>C (p.Leu836Pro)

Gene: LZTR1 (leucine zipper like post translational regulator 1; plus strand). Cytogenetic location: 22q11.21.
Variant type: single nucleotide variant.
Coding change: c.2507T>C on transcript NM_006767.4 (MANE Select); coding-DNA position 2507, T replaced by C.
Protein change: p.Leu836Pro; replaces leucine 836 with proline.
Molecular consequence: missense variant.
Genome position (GRCh38, 1-based): chr22:20,997,332, T>C. VCF-style: chr22-20997332-T-C. GRCh37 (hg19) VCF-style: chr22-21351621-T-C.
Other names: short protein forms L836P.
Identifiers: ClinVar variation 1792330 (VCV001792330.11), dbSNP rs150100732, ClinGen allele CA10119483.
Genomic context (GRCh38, chr22:20,997,332, plus strand): 5'-TGCTGCTGGACATCATAGACTCCCTGGCCTCCCACATCTCAGACAAGCAGTGCGCAGAGC[T>C]GGGCGCCGACATCTGAGGCCCTGTGGCGCCTGCCCATTGTGAAGAATCGCCGTGCCTGCC-3'
Protein context (NP_006758.2, residues 826-840): SHISDKQCAE[Leu836Pro]GADI

ClinVar aggregate classification (germline): Uncertain significance. Review status: criteria provided, multiple submitters, no conflicts (2 of 4 stars). 5 submissions from 5 submitters: Uncertain significance (5). Last evaluated 2025-07-22.

Conditions:
Cardiovascular phenotype. Identifiers: MedGen CN230736.
Hereditary cancer-predisposing syndrome. Also called: Neoplastic Syndromes, Hereditary; Tumor predisposition; Hereditary neoplastic syndrome; Hereditary Cancer Syndrome. Identifiers: Orphanet 140162, MedGen C0027672, MeSH D009386, MONDO:0015356.
LZTR1-related schwannomatosis. Also called: Schwannomatosis 2; Schwannomatosis-2, susceptibility to. Identifiers: Orphanet 93921, MedGen C3810283, MONDO:0014299, OMIM 615670.

Allele frequency attached by ClinVar (database versions not stated): TOPMed 0.00001; gnomAD 0.00001; ExAC 0.00002; ESP Exome Variant Server 0.00008; gnomAD exomes below 0.00001.

Submissions (5):

Labcorp Genetics (formerly Invitae), Labcorp
Classification: Uncertain significance. Last evaluated: 2025-07-22. Review status: criteria provided, single submitter. Criteria: Invitae Variant Classification Sherloc (09022015). Collection method: clinical testing. Allele origin: germline.
Comment: This sequence change replaces leucine, which is neutral and non-polar, with proline, which is neutral and non-polar, at codon 836 of the LZTR1 protein (p.Leu836Pro). This variant is present in population databases (rs150100732, gnomAD 0.003%). This variant has not been reported in the literature in individuals affected with LZTR1-related conditions. ClinVar contains an entry for this variant (Variation ID: 1792330). Invitae Evidence Modeling of protein sequence and biophysical properties (such as structural, functional, and spatial information, amino acid conservation, physicochemical variation, residue mobility, and thermodynamic stability) indicates that this missense variant is not expected to disrupt LZTR1 protein function with a negative predictive value of 80%. In summary, the available evidence is currently insufficient to determine the role of this variant in disease. Therefore, it has been classified as a Variant of Uncertain Significance.

Ambry Genetics
Classification: Uncertain significance for Cardiovascular phenotype; Hereditary cancer-predisposing syndrome. Last evaluated: 2025-07-09. Review status: criteria provided, single submitter. Criteria: Ambry Variant Classification Scheme 2023. Collection method: clinical testing. Allele origin: germline.
Comment: The p.L836P variant (also known as c.2507T>C), located in coding exon 21 of the LZTR1 gene, results from a T to C substitution at nucleotide position 2507. The leucine at codon 836 is replaced by proline, an amino acid with similar properties. This amino acid position is well conserved in available vertebrate species. In addition, the in silico prediction for this alteration is inconclusive. Since supporting evidence is limited at this time, the clinical significance of this alteration remains unclear.

Dasa
Classification: Uncertain significance. Last evaluated: 2025-06-23. Review status: criteria provided, single submitter. Criteria: DASA Assertion Criteria. Collection method: clinical testing. Allele origin: germline.
Comment: NM_006767.4(LZTR1):c.2507T>C (p.Leu836Pro) is a missense variant that results in the substitution of leucine with proline. This variant is rare in population databases. Computational prediction algorithms are consistent with a benign effect. The currently available literature and clinical evidence are not sufficient to establish a definitive association between this variant and the reported condition. Therefore, this variant is classified as a variant of uncertain significance.

Women's Health and Genetics/Laboratory Corporation of America, LabCorp
Classification: Uncertain significance. Last evaluated: 2024-10-14. Review status: criteria provided, single submitter. Criteria: LabCorp Variant Classification Summary - May 2015. Collection method: clinical testing. Allele origin: germline.
Comment: Variant summary: LZTR1 c.2507T>C (p.Leu836Pro) results in a non-conservative amino acid change in the encoded protein sequence. Four of five in-silico tools predict a damaging effect of the variant on protein function. The variant allele was found at a frequency of 1.2e-05 in 250146 control chromosomes. The available data on variant occurrences in the general population are insufficient to allow any conclusion about variant significance. To our knowledge, no occurrence of c.2507T>C in individuals affected with Noonan Syndrome 2 and no experimental evidence demonstrating its impact on protein function have been reported. ClinVar contains an entry for this variant (Variation ID: 1792330). Based on the evidence outlined above, the variant was classified as uncertain significance.

Baylor Genetics
Classification: Uncertain significance for LZTR1-related schwannomatosis. Last evaluated: 2024-01-30. Review status: criteria provided, single submitter. Criteria: ACMG Guidelines, 2015. Collection method: clinical testing. Allele origin: unknown.